The following is an entry in ClinVar:

NM_138694.4(PKHD1):c.6475G>A (p.Ala2159Thr)

Gene: PKHD1 (PKHD1 ciliary IPT domain containing fibrocystin/polyductin; minus strand). Cytogenetic location: 6p12.2.
Variant type: single nucleotide variant.
Coding change: c.6475G>A on transcript NM_138694.4 (MANE Select); coding-DNA position 6475, G replaced by A.
Protein change: p.Ala2159Thr; replaces alanine 2159 with threonine.
Molecular consequence: missense variant.
Genome position (GRCh38, 1-based): chr6:51,911,814, C>T on the plus strand (G>A on the coding strand, the complement: PKHD1 is on the minus strand). VCF-style: chr6-51911814-C-T. GRCh37 (hg19) VCF-style: chr6-51776612-C-T.
Other names: c.6475G>A, p.Ala2159Thr (NM_170724.3); short protein forms A2159T.
Identifiers: ClinVar variation 357434 (VCV000357434.19), dbSNP rs750822014, ClinGen allele CA3852254.

ClinVar aggregate classification (germline): Conflicting classifications of pathogenicity. Review status: criteria provided, conflicting classifications (1 of 4 stars). 5 submissions from 5 submitters: Uncertain significance (4); Benign (1). Last evaluated 2026-05-27.

Conditions:
PKHD1-related disorder. Also called: PKHD1-related condition.
Autosomal recessive polycystic kidney disease (ARPKD). Also called: AR polycystic kidney disease. Identifiers: Orphanet 731, Orphanet 8378, MedGen C0085548, MeSH D017044, MONDO:0009889.
Inborn genetic diseases. Identifiers: MedGen C0950123, MeSH D030342.
Polycystic kidney disease 4 (PKD4). Also called: Autosomal Recessive Polycystic Kidney Disease – PKHD1; PKD3; POLYCYSTIC KIDNEY DISEASE 4 WITH OR WITHOUT POLYCYSTIC LIVER DISEASE; POLYCYSTIC KIDNEY AND HEPATIC DISEASE 1; POLYCYSTIC KIDNEY DISEASE, INFANTILE, TYPE I. Identifiers: MedGen C4540575, MONDO:0033004, OMIM 263200.

Allele frequency attached by ClinVar (database versions not stated): gnomAD 0.00001; gnomAD exomes 0.00003 and 0.00014; TOPMed 0.00004; ExAC 0.00013.
gnomAD v4.1: 38 of 1,612,724 alleles (0.0024%); highest among the groups gnomAD compares: Admixed American, 0.063%; no homozygotes.

Submissions (5):

PreventionGenetics, part of Exact Sciences
Classification: Uncertain significance for PKHD1-related condition. Last evaluated: 2026-05-27. Review status: criteria provided, single submitter. Criteria: ACMG Guidelines, 2015. Collection method: clinical testing. Allele origin: germline.
Comment: The PKHD1 c.6475G>A variant is predicted to result in the amino acid substitution p.Ala2159Thr. To our knowledge, this variant has not been reported in the literature. This variant is reported in 0.096% of alleles in individuals of Latino descent in gnomAD. Although we suspect that this variant may be benign, at this time, the clinical significance of this variant is uncertain due to the absence of conclusive functional and genetic evidence.

Labcorp Genetics (formerly Invitae), Labcorp
Classification: Benign for Autosomal recessive polycystic kidney disease. Last evaluated: 2025-04-03. Review status: criteria provided, single submitter. Criteria: Invitae Variant Classification Sherloc (09022015). Collection method: clinical testing. Allele origin: germline.

Ambry Genetics
Classification: Uncertain significance for Inborn genetic diseases. Last evaluated: 2025-01-07. Review status: criteria provided, single submitter. Criteria: Ambry Variant Classification Scheme 2023. Collection method: clinical testing. Allele origin: germline.

Fulgent Genetics
Classification: Uncertain significance for Polycystic kidney disease 4. Last evaluated: 2023-12-21. Review status: criteria provided, single submitter. Criteria: ACMG Guidelines, 2015. Collection method: clinical testing. Allele origin: germline.

Illumina Laboratory Services, Illumina
Classification: Uncertain significance for Polycystic kidney disease 4. Last evaluated: 2018-01-12. Review status: criteria provided, single submitter. Criteria: ICSL Variant Classification Criteria 13 December 2019. Collection method: clinical testing. Allele origin: germline.